The following is an entry in ClinVar:

NM_181426.2(CCDC39):c.618G>C (p.Leu206Phe)

Gene: CCDC39 (coiled-coil domain 39 molecular ruler complex subunit; minus strand). Cytogenetic location: 3q26.33.
Variant type: single nucleotide variant.
Coding change: c.618G>C on transcript NM_181426.2 (MANE Select); coding-DNA position 618, G replaced by C.
Protein change: p.Leu206Phe; replaces leucine 206 with phenylalanine.
Molecular consequence: missense variant.
Genome position (GRCh38, 1-based): chr3:180,659,572, C>G on the plus strand (G>C on the coding strand, the complement: CCDC39 is on the minus strand). VCF-style: chr3-180659572-C-G. GRCh37 (hg19) VCF-style: chr3-180377360-C-G.
Other names: short protein forms L206F.
Identifiers: ClinVar variation 950138 (VCV000950138.7), dbSNP rs1048916587, ClinGen allele CA88636127.
Genomic context (GRCh38, chr3:180,659,572, plus strand): 5'-TTGTTTAATGAGTTCTTGTCTTTCATTATGAATCTTACGAAAATCTTGTGCTGCTTTATC[C>G]AATTCTAACTGTCAAACAGAGAGCAAAGAACATTTCTGTGAATTTAAGTGGTTTTGCAAA-3'
Protein context (NP_852091.1, residues 196-216): LTETISAQLE[Leu206Phe]DKAAQDFRKI

ClinVar aggregate classification (germline): Uncertain significance (1 of 4 stars; one submission).

Conditions:
Primary ciliary dyskinesia. Also called: Ciliary dyskinesia. Identifiers: Orphanet 244, MedGen C0008780, MONDO:0016575, HP:0012265.

Allele frequency attached by ClinVar (database versions not stated): gnomAD exomes below 0.00001 and 0.00001; TOPMed below 0.00001.
gnomAD v4.1: 10 of 1,612,130 alleles (0.00062%); highest among the groups gnomAD compares: Non-Finnish European, 0.00085%; no homozygotes.

Submission:

Labcorp Genetics (formerly Invitae), Labcorp
Classification: Uncertain significance for Primary ciliary dyskinesia. Last evaluated: 2021-09-01. Review status: criteria provided, single submitter. Criteria: Invitae Variant Classification Sherloc (09022015). Collection method: clinical testing. Allele origin: germline.
Comment: This sequence change replaces leucine with phenylalanine at codon 206 of the CCDC39 protein (p.Leu206Phe). The leucine residue is moderately conserved and there is a small physicochemical difference between leucine and phenylalanine. This variant is not present in population databases (ExAC no frequency). This variant has not been reported in the literature in individuals affected with CCDC39-related conditions. Algorithms developed to predict the effect of missense changes on protein structure and function are either unavailable or do not agree on the potential impact of this missense change (SIFT: "Deleterious"; PolyPhen-2: "Probably Damaging"; Align-GVGD: "Class C0"). In summary, the available evidence is currently insufficient to determine the role of this variant in disease. Therefore, it has been classified as a Variant of Uncertain Significance.